The following is an entry in ClinVar:

ClinVar aggregate classification (germline): Benign/Likely benign. Review status: criteria provided, multiple submitters, no conflicts (2 of 4 stars). 2 submissions from 2 submitters: Benign (1); Likely benign (1). Last evaluated 2025-11-15.

Conditions:
Nemaline myopathy 6 (NEM6). Also called: Nemaline myopathy 6, autosomal dominant. Identifiers: Orphanet 171439, MedGen C1836472, MONDO:0012237, OMIM 609273.

Allele frequency attached by ClinVar (database versions not stated): 1000 Genomes Project 30x 0.00031; TOPMed 0.00035.

Submissions (2):

Labcorp Genetics (formerly Invitae), Labcorp
Classification: Likely benign for Nemaline myopathy 6. Last evaluated: 2025-11-15. Review status: criteria provided, single submitter. Criteria: Invitae Variant Classification Sherloc (09022015). Collection method: clinical testing. Allele origin: germline.

Illumina Laboratory Services, Illumina
Classification: Benign for Nemaline myopathy 6. Last evaluated: 2018-01-13. Review status: criteria provided, single submitter. Criteria: ICSL Variant Classification Criteria 13 December 2019. Collection method: clinical testing. Allele origin: germline.
Comment: This variant was observed in the ICSL laboratory as part of a predisposition screen in an ostensibly healthy population. It had not been previously curated by ICSL or reported in the Human Gene Mutation Database (HGMD: prior to June 1st, 2018), and was therefore a candidate for classification through an automated scoring system. Utilizing variant allele frequency, disease prevalence and penetrance estimates, and inheritance mode, an automated score was calculated to assess if this variant is too frequent to cause the disease. Based on the score and internal cut-off values, a variant classified as benign is not then subjected to further curation. The score for this variant resulted in a classification of benign for this disease.

NM_001101362.3(KBTBD13):c.751A>G (p.Thr251Ala)

Gene: KBTBD13 (kelch repeat and BTB domain containing 13; plus strand). Cytogenetic location: 15q22.31.
Variant type: single nucleotide variant.
Coding change: c.751A>G on transcript NM_001101362.3 (MANE Select); coding-DNA position 751, A replaced by G.
Protein change: p.Thr251Ala; replaces threonine 251 with alanine.
Molecular consequence: missense variant.
Genome position (GRCh38, 1-based): chr15:65,077,566, A>G. VCF-style: chr15-65077566-A-G. GRCh37 (hg19) VCF-style: chr15-65369904-A-G.
Other names: short protein forms T251A.
Identifiers: ClinVar variation 316745 (VCV000316745.13), dbSNP rs757250245, ClinGen allele CA7613969.